The following is an entry in ClinVar:

NM_020911.2(PLXNA4):c.4027T>C (p.Tyr1343His)

Gene: PLXNA4 (plexin A4; minus strand). Cytogenetic location: 7q32.3.
Variant type: single nucleotide variant.
Coding change: c.4027T>C on transcript NM_020911.2 (MANE Select); coding-DNA position 4027, T replaced by C.
Protein change: p.Tyr1343His; replaces tyrosine 1343 with histidine.
Molecular consequence: missense variant.
Genome position (GRCh38, 1-based): chr7:132,168,563, A>G on the plus strand (T>C on the coding strand, the complement: PLXNA4 is on the minus strand). VCF-style: chr7-132168563-A-G. GRCh37 (hg19) VCF-style: chr7-131853322-A-G.
Other names: c.4027T>C, p.Tyr1343His (NM_001393897.1); short protein forms Y1343H.
Identifiers: ClinVar variation 3352526 (VCV003352526.2).
Genomic context (GRCh38, chr7:132,168,563, plus strand): 5'-CCTTGTTGTTGATGAGCTGGGCGAAGAGCTTCAGGCCTTTCTCCACACGCTCCTGCCGGT[A>G]GCCCGGGACCTGCAGAGAGACCTAGGAGTCGTGATGCCATTGGCAGGTTGGGGAGCTCAG-3'
Protein context (NP_065962.1, residues 1333-1353): PVLRDLEVPG[Tyr1343His]RQERVEKGLK

ClinVar aggregate classification (germline): Uncertain significance (1 of 4 stars; one submission).

Conditions:
PLXNA4-related disorder. Also called: PLXNA4-related condition.

gnomAD v4.1: 230 of 1,584,074 alleles (0.015%); highest among the groups gnomAD compares: Non-Finnish European, 0.019%; no homozygotes.

Submission:

PreventionGenetics, part of Exact Sciences
Classification: Uncertain significance for PLXNA4-related condition. Last evaluated: 2026-06-02. Review status: criteria provided, single submitter. Criteria: ACMG Guidelines, 2015. Collection method: clinical testing. Allele origin: germline.
Comment: The PLXNA4 c.4027T>C variant is predicted to result in the amino acid substitution p.Tyr1343His. To our knowledge, this variant has not been reported in the literature. This variant is reported in 0.016% of alleles in individuals of European (Non-Finnish) descent in gnomAD. At this time, the clinical significance of this variant is uncertain due to the absence of conclusive functional and genetic evidence.